The following is an entry in ClinVar:

NM_001018113.3(FANCB):c.93T>C (p.Asn31=)

Gene: FANCB (FA complementation group B; minus strand). Cytogenetic location: Xp22.2.
Variant type: single nucleotide variant.
Coding change: c.93T>C on transcript NM_001018113.3 (MANE Select); coding-DNA position 93, T replaced by C.
Protein change: p.Asn31=; no amino-acid change (asparagine 31 retained).
Molecular consequence: synonymous variant. On other transcripts: non-coding transcript variant (1).
Genome position (GRCh38, 1-based): chrX:14,865,418, A>G on the plus strand (T>C on the coding strand, the complement: FANCB is on the minus strand). VCF-style: chrX-14865418-A-G. GRCh37 (hg19) VCF-style: chrX-14883540-A-G.
Other names: c.93T>C, p.Asn31= (NM_001324162.2, NM_001410764.1, NM_152633.4).
Identifiers: ClinVar variation 2718160 (VCV002718160.20), dbSNP rs759943598, ClinGen allele CA10353233.

ClinVar aggregate classification (germline): Likely benign. Review status: criteria provided, multiple submitters, no conflicts (2 of 4 stars). 2 submissions from 2 submitters: Likely benign (2). Last evaluated 2024-08-26.

Conditions:
Fanconi anemia (FA). Also called: Fanconi's anemia. Identifiers: Orphanet 84, MedGen C0015625, MeSH D005199, MONDO:0019391.

Allele frequency attached by ClinVar (database versions not stated): gnomAD exomes below 0.00001; ExAC 0.00001.
gnomAD v4.1: 1 of 1,209,752 alleles (0.000083%); highest among the groups gnomAD compares: Non-Finnish European, 0.00011%; no homozygotes.

Submissions (2):

Labcorp Genetics (formerly Invitae), Labcorp
Classification: Likely benign for Fanconi anemia. Last evaluated: 2024-08-26. Review status: criteria provided, single submitter. Criteria: Invitae Variant Classification Sherloc (09022015). Collection method: clinical testing. Allele origin: germline.

CeGaT Center for Human Genetics Tuebingen
Classification: Likely benign. Last evaluated: 2024-07-01. Review status: criteria provided, single submitter. Criteria: CeGaT Center For Human Genetics Tuebingen Variant Classification Criteria Version 2. Collection method: clinical testing. Allele origin: germline. Affected: yes. Observed: 1 variant allele.
Comment: FANCB: BP4, BP7